The following is an entry in ClinVar:

NM_001142800.2(EYS):c.773G>T (p.Gly258Val)

Gene: EYS (EGF-like photoreceptor maintenance factor; minus strand). Cytogenetic location: 6q12.
Variant type: single nucleotide variant.
Coding change: c.773G>T on transcript NM_001142800.2 (MANE Select); coding-DNA position 773, G replaced by T.
Protein change: p.Gly258Val; replaces glycine 258 with valine.
Molecular consequence: missense variant.
Genome position (GRCh38, 1-based): chr6:65,490,683, C>A on the plus strand (G>T on the coding strand, the complement: EYS is on the minus strand). VCF-style: chr6-65490683-C-A. GRCh37 (hg19) VCF-style: chr6-66200576-C-A.
Other names: c.773G>T, p.Gly258Val (NM_001142801.2, NM_001292009.2, NM_198283.2); short protein forms G258V.
Identifiers: ClinVar variation 4892715 (VCV004892715.2).

ClinVar aggregate classification (germline): Uncertain significance. Review status: criteria provided, multiple submitters, no conflicts (2 of 4 stars). 2 submissions from 2 submitters: Uncertain significance (2). Last evaluated 2025-08-18.

Conditions:
Retinitis pigmentosa 25 (RP25). Identifiers: Orphanet 791, MedGen C1864446, MONDO:0011272, OMIM 602772.

gnomAD v4.1: 12 of 1,611,450 alleles (0.00074%); highest among the groups gnomAD compares: African/African-American, 0.0013%; no homozygotes.

Submissions (2):

Myriad Genetics, Inc.
Classification: Uncertain significance for Retinitis pigmentosa 25. Last evaluated: 2025-08-18. Review status: criteria provided, single submitter. Criteria: Myriad Autosomal Dominant, Autosomal Recessive and X-Linked Classification Criteria (2023). Collection method: clinical testing. Allele origin: unknown.
Comment: NM_001142800.1(EYS):c.773G>T(G258V) is a missense variant classified as a variant of uncertain significance in the context of retinitis pigmentosa, EYS-related. G258V has been observed in a case with relevant disease (PMID: 30902645). Relevant functional assessments of this variant are not available in the literature. G258V has been observed in referenced population frequency databases. In summary, there is insufficient evidence to classify NM_001142800.1(EYS):c.773G>T(G258V) as pathogenic or benign. Please note: this variant was assessed in the context of healthy population screening.

Blueprint Genetics
Classification: Uncertain significance. Last evaluated: 2019-01-29. Review status: criteria provided, single submitter. Criteria: ACMG Guidelines, 2015. Collection method: clinical testing. Allele origin: germline.

Literature cited by the submitters: PubMed 30902645 (cited by Myriad Genetics, Inc.).